The following is an entry in ClinVar:

NM_001167.4(XIAP):c.1023T>A (p.Asn341Lys)

Gene: XIAP (X-linked inhibitor of apoptosis; plus strand). Cytogenetic location: Xq25.
Variant type: single nucleotide variant.
Coding change: c.1023T>A on transcript NM_001167.4 (MANE Select); coding-DNA position 1023, T replaced by A.
Protein change: p.Asn341Lys; replaces asparagine 341 with lysine.
Molecular consequence: missense variant. On other transcripts: non-coding transcript variant (2).
Genome position (GRCh38, 1-based): chrX:123,891,283, T>A. VCF-style: chrX-123891283-T-A. GRCh37 (hg19) VCF-style: chrX-123025133-T-A.
Other names: c.1023T>A, p.Asn341Lys (NM_001204401.2, NM_001378590.1, NM_001378591.1 and 1 more transcripts); short protein forms N341K.
Identifiers: ClinVar variation 1029200 (VCV001029200.1), dbSNP rs2053404962, ClinGen allele CA414125512.
Genomic context (GRCh38, chrX:123,891,283, plus strand): 5'-CTTTTAATTGTTTAGGTGCAAATATCTGTTAGAACAGAAGGGACAAGAATATATAAACAA[T>A]ATTCATTTAACTCATTCACTTGAGGAGTGTCTGGTAAGTCTCATATAATTTATATTTTCA-3'
Protein context (NP_001158.2, residues 331-351): LEQKGQEYIN[Asn341Lys]IHLTHSLEEC

ClinVar aggregate classification (germline): Uncertain significance (1 of 4 stars; one submission).

Conditions:
X-linked lymphoproliferative disease due to XIAP deficiency. Also called: XIAP DEFICIENCY; XIAP-Related Lymphoproliferative Disease, X-Linked. Identifiers: Orphanet 2442, Orphanet 538934, MedGen C1845076, MONDO:0010385, OMIM 300635.

Submission:

Baylor Genetics
Classification: Uncertain significance for X-linked lymphoproliferative disease due to XIAP deficiency. Last evaluated: 2019-10-25. Review status: criteria provided, single submitter. Criteria: ACMG Guidelines, 2015. Collection method: clinical testing. Allele origin: unknown. Affected: yes.
Comment: This variant was determined to be of uncertain significance according to ACMG Guidelines, 2015 [PMID:25741868].